The following is an entry in ClinVar:

NM_213599.3(ANO5):c.2228C>T (p.Ala743Val)

Gene: ANO5 (anoctamin 5; plus strand). Cytogenetic location: 11p14.3.
Variant type: single nucleotide variant.
Coding change: c.2228C>T on transcript NM_213599.3 (MANE Select); coding-DNA position 2228, C replaced by T.
Protein change: p.Ala743Val; replaces alanine 743 with valine.
Molecular consequence: missense variant.
Genome position (GRCh38, 1-based): chr11:22,272,982, C>T. VCF-style: chr11-22272982-C-T. GRCh37 (hg19) VCF-style: chr11-22294528-C-T.
Other names: c.2150C>T, p.Ala717Val (NM_001441294.1); c.2147C>T, p.Ala716Val (NM_001441295.1); c.2135C>T, p.Ala712Val (NM_001441296.1); c.2108C>T, p.Ala703Val (NM_001441297.1); c.2072C>T, p.Ala691Val (NM_001441298.1); c.2069C>T, p.Ala690Val (NM_001441299.1); c.1793C>T, p.Ala598Val (NM_001441300.1); c.1790C>T, p.Ala597Val (NM_001441301.1); and 4 more; short protein forms A597V, A716V, A743V, A690V, A703V, A712V, A728V, A581V.
Identifiers: ClinVar variation 4789400 (VCV004789400.1).

ClinVar aggregate classification (germline): Uncertain significance (1 of 4 stars; one submission).

Conditions:
Gnathodiaphyseal dysplasia (GDD). Also called: GNATHODIAPHYSEAL SCLEROSIS; OSTEOGENESIS IMPERFECTA WITH UNUSUAL SKELETAL LESIONS. Identifiers: Orphanet 53697, MedGen C1833736, MONDO:0008151, OMIM 166260.
Autosomal recessive limb-girdle muscular dystrophy type 2L (LGMDR12). Also called: Limb-girdle muscular dystrophy, type 2L; MUSCULAR DYSTROPHY, LIMB-GIRDLE, AUTOSOMAL RECESSIVE 12; Limb-Girdle Muscular Dystrophy R12 Anoctamin-5-Related (LGMD-R12). Identifiers: Orphanet 206549, MedGen C1969785, MONDO:0012652, OMIM 611307.

Submission:

Labcorp Genetics (formerly Invitae), Labcorp
Classification: Uncertain significance for Autosomal recessive limb-girdle muscular dystrophy type 2L; Gnathodiaphyseal dysplasia. Last evaluated: 2025-05-27. Review status: criteria provided, single submitter. Criteria: Invitae Variant Classification Sherloc (09022015). Collection method: clinical testing. Allele origin: germline.
Comment: This sequence change replaces alanine, which is neutral and non-polar, with valine, which is neutral and non-polar, at codon 743 of the ANO5 protein (p.Ala743Val). This variant is not present in population databases (gnomAD no frequency). This variant has not been reported in the literature in individuals affected with ANO5-related conditions. Invitae Evidence Modeling of protein sequence and biophysical properties (such as structural, functional, and spatial information, amino acid conservation, physicochemical variation, residue mobility, and thermodynamic stability) indicates that this missense variant is not expected to disrupt ANO5 protein function with a negative predictive value of 95%. In summary, the available evidence is currently insufficient to determine the role of this variant in disease. Therefore, it has been classified as a Variant of Uncertain Significance.